The following is an entry in ClinVar:

NM_016151.4(TAOK2):c.2176C>G (p.Gln726Glu)

Gene: TAOK2 (TAO kinase 2; plus strand). Cytogenetic location: 16p11.2.
Variant type: single nucleotide variant.
Coding change: c.2176C>G on transcript NM_016151.4 (MANE Select); coding-DNA position 2176, C replaced by G.
Protein change: p.Gln726Glu; replaces glutamine 726 with glutamic acid.
Molecular consequence: missense variant.
Genome position (GRCh38, 1-based): chr16:29,986,448, C>G. VCF-style: chr16-29986448-C-G. GRCh37 (hg19) VCF-style: chr16-29997769-C-G.
Other names: c.2176C>G, p.Gln726Glu (NM_001252043.2, NM_004783.4); short protein forms Q726E.
Identifiers: ClinVar variation 3606397 (VCV003606397.2).

ClinVar aggregate classification (germline): Uncertain significance (1 of 4 stars; one submission).

Submission:

Labcorp Genetics (formerly Invitae), Labcorp
Classification: Uncertain significance. Last evaluated: 2024-07-31. Review status: criteria provided, single submitter. Criteria: Invitae Variant Classification Sherloc (09022015). Collection method: clinical testing. Allele origin: germline.
Comment: This sequence change replaces glutamine, which is neutral and polar, with glutamic acid, which is acidic and polar, at codon 726 of the TAOK2 protein (p.Gln726Glu). This variant is present in population databases (rs143012134, gnomAD 0.02%). This variant has not been reported in the literature in individuals affected with TAOK2-related conditions. An algorithm developed to predict the effect of missense changes on protein structure and function (PolyPhen-2) suggests that this variant is likely to be tolerated. In summary, the available evidence is currently insufficient to determine the role of this variant in disease. Therefore, it has been classified as a Variant of Uncertain Significance.